The following is an entry in ClinVar:

NM_000435.3(NOTCH3):c.6654C>T (p.Gly2218=)

Gene: NOTCH3 (notch receptor 3; minus strand). Cytogenetic location: 19p13.12.
Variant type: single nucleotide variant.
Coding change: c.6654C>T on transcript NM_000435.3 (MANE Select); coding-DNA position 6654, C replaced by T.
Protein change: p.Gly2218=; no amino-acid change (glycine 2218 retained).
Molecular consequence: synonymous variant.
Genome position (GRCh38, 1-based): chr19:15,160,974, G>A on the plus strand (C>T on the coding strand, the complement: NOTCH3 is on the minus strand). VCF-style: chr19-15160974-G-A. GRCh37 (hg19) VCF-style: chr19-15271785-G-A.
Identifiers: ClinVar variation 702801 (VCV000702801.19), dbSNP rs528209250, ClinGen allele CA9262329.

ClinVar aggregate classification (germline): Benign/Likely benign. Review status: criteria provided, multiple submitters, no conflicts (2 of 4 stars). 4 submissions from 4 submitters: Benign (1); Likely benign (2). 1 of the submissions does not count toward it. Last evaluated 2025-07-01.

Conditions:
NOTCH3-related disorder. Also called: NOTCH3-related condition; NOTCH3-related disorders.

Allele frequency attached by ClinVar (database versions not stated): gnomAD 0.00001 and 0.00029; TOPMed 0.00005; gnomAD exomes 0.00045 and 0.00113; 1000 Genomes Project 30x 0.00109; 1000 Genomes Project 0.00120; ExAC 0.00286.
gnomAD v4.1: 689 of 1,568,838 alleles (0.044%); highest among the groups gnomAD compares: South Asian, 0.74%; 4 homozygotes.

Submissions (4):

CeGaT Center for Human Genetics Tuebingen
Classification: Likely benign. Last evaluated: 2025-07-01. Review status: criteria provided, single submitter. Criteria: CeGaT Center For Human Genetics Tuebingen Variant Classification Criteria Version 2. Collection method: clinical testing. Allele origin: germline. Affected: yes. Observed: 1 variant allele.
Comment: NOTCH3: BP4, BP7

Blueprint Genetics
Classification: Likely benign. Last evaluated: 2024-10-01. Review status: criteria provided, single submitter. Criteria: ACMG Guidelines, 2015. Collection method: clinical testing. Allele origin: germline.

Labcorp Genetics (formerly Invitae), Labcorp
Classification: Benign. Last evaluated: 2023-10-18. Review status: criteria provided, single submitter. Criteria: Invitae Variant Classification Sherloc (09022015). Collection method: clinical testing. Allele origin: germline.

PreventionGenetics, part of Exact Sciences
Classification: Benign for NOTCH3-related condition. Last evaluated: 2019-02-22. Review status: no assertion criteria provided. Collection method: clinical testing. Allele origin: germline. Not counted in ClinVar's aggregate classification.
Comment: This variant is classified as benign based on ACMG/AMP sequence variant interpretation guidelines (Richards et al. 2015 PMID: 25741868, with internal and published modifications).